The following is an entry in ClinVar:

NM_001370259.2(MEN1):c.400T>A (p.Phe134Ile)

Gene: MEN1 (menin 1; minus strand). Cytogenetic location: 11q13.1.
Variant type: single nucleotide variant.
Coding change: c.400T>A on transcript NM_001370259.2 (MANE Select); coding-DNA position 400, T replaced by A.
Protein change: p.Phe134Ile; replaces phenylalanine 134 with isoleucine.
Molecular consequence: missense variant. On other transcripts: non-coding transcript variant (4).
Genome position (GRCh38, 1-based): chr11:64,809,710, A>T on the plus strand (T>A on the coding strand, the complement: MEN1 is on the minus strand). VCF-style: chr11-64809710-A-T. GRCh37 (hg19) VCF-style: chr11-64577182-A-T.
Other names: c.400T>A, p.Phe134Ile (NM_000244.4, NM_001370251.2, NM_001370260.2 and 20 more transcripts); short protein forms F134I.
Identifiers: ClinVar variation 3229098 (VCV003229098.1), dbSNP rs2136179803, ClinGen allele CA381187238.

ClinVar aggregate classification (germline): Uncertain significance (1 of 4 stars; one submission).

Conditions:
Hereditary cancer-predisposing syndrome. Also called: Neoplastic Syndromes, Hereditary; Tumor predisposition; Hereditary neoplastic syndrome; Hereditary Cancer Syndrome. Identifiers: Orphanet 140162, MedGen C0027672, MeSH D009386, MONDO:0015356.

Submission:

Ambry Genetics
Classification: Uncertain significance for Hereditary cancer-predisposing syndrome. Last evaluated: 2023-12-13. Review status: criteria provided, single submitter. Criteria: Ambry Variant Classification Scheme 2023. Collection method: clinical testing. Allele origin: germline.
Comment: The p.F134I variant (also known as c.400T>A), located in coding exon 1 of the MEN1 gene, results from a T to A substitution at nucleotide position 400. The phenylalanine at codon 134 is replaced by isoleucine, an amino acid with highly similar properties. This amino acid position is conserved. In addition, this alteration is predicted to be deleterious by in silico analysis. Since supporting evidence is limited at this time, the clinical significance of this alteration remains unclear.